The following is an entry in ClinVar:

NM_000245.4(MET):c.1556G>A (p.Gly519Asp)

Gene: MET (MET proto-oncogene, receptor tyrosine kinase; plus strand). Cytogenetic location: 7q31.2.
Variant type: single nucleotide variant.
Coding change: c.1556G>A on transcript NM_000245.4 (MANE Select); coding-DNA position 1556, G replaced by A.
Protein change: p.Gly519Asp; replaces glycine 519 with aspartic acid.
Molecular consequence: missense variant.
Genome position (GRCh38, 1-based): chr7:116,740,880, G>A. VCF-style: chr7-116740880-G-A. GRCh37 (hg19) VCF-style: chr7-116380934-G-A.
Other names: c.1556G>A, p.Gly519Asp (NM_001127500.3, NM_001324401.3); c.266G>A, p.Gly89Asp (NM_001324402.2); short protein forms G519D, G89D.
Identifiers: ClinVar variation 4859966 (VCV004859966.1).

ClinVar aggregate classification (germline): Uncertain significance (1 of 4 stars; one submission).

Conditions:
Hereditary cancer-predisposing syndrome. Also called: Neoplastic Syndromes, Hereditary; Tumor predisposition; Hereditary Cancer Syndrome; Hereditary neoplastic syndrome. Identifiers: Orphanet 140162, MedGen C0027672, MeSH D009386, MONDO:0015356.

Submission:

Ambry Genetics
Classification: Uncertain significance for Hereditary cancer-predisposing syndrome. Last evaluated: 2026-04-15. Review status: criteria provided, single submitter. Criteria: Ambry Variant Classification Scheme 2023. Collection method: clinical testing. Allele origin: germline.
Comment: The p.G519D variant (also known as c.1556G>A), located in coding exon 4 of the MET gene, results from a G to A substitution at nucleotide position 1556. The glycine at codon 519 is replaced by aspartic acid, an amino acid with similar properties. This amino acid position is highly conserved in available vertebrate species. In addition, this alteration is predicted to be deleterious by in silico analysis. Based on the available evidence, the clinical significance of this variant remains unclear.